The following is an entry in ClinVar:

NM_007294.4(BRCA1):c.2242_2251del (p.Lys748fs)

Gene: BRCA1 (BRCA1 DNA repair associated; minus strand). Cytogenetic location: 17q21.31.
Variant type: Deletion.
Coding change: c.2242_2251del on transcript NM_007294.4 (MANE Select); coding-DNA positions 2242 to 2251, 10 bases deleted (AAAGATCTCA; older notation c.2242_2251delAAAGATCTCA).
Protein change: p.Lys748fs; shifts the reading frame from lysine 748.
Molecular consequence: frameshift variant. On other transcripts: intron variant (137).
Genome position (GRCh38, 1-based): chr17:43,093,280-43,093,289, TGAGATCTTT deleted on the plus strand (AAAGATCTCA on the coding strand, the reverse complement: BRCA1 is on the minus strand). VCF-style (leftmost placement, unchanged base first): chr17-43093279-ATGAGATCTTT-A. GRCh37 (hg19) VCF-style: chr17-41245296-ATGAGATCTTT-A.
Other names: c.2098_2107del, p.Lys700fs (NM_001407745.1, NM_001407746.1, NM_001407747.1 and 20 more transcripts); c.2101_2110del, p.Lys701fs (NM_001407750.1, NM_001407751.1, NM_001407752.1 and 29 more transcripts); c.2029_2038del, p.Lys677fs (NM_001407853.1, NM_001407894.1, NM_001407895.1 and 9 more transcripts); c.2242_2251del, p.Lys748fs (NM_001407854.1, NM_001407858.1, NM_001407859.1 and 30 more transcripts); c.2239_2248del, p.Lys747fs (NM_001407860.1, NM_001407861.1, NM_001407587.1 and 22 more transcripts); c.2041_2050del, p.Lys681fs (NM_001407862.1); c.2119_2128del, p.Lys707fs (NM_001407863.1, NM_001407919.1, NM_001407937.1 and 19 more transcripts); c.2038_2047del, p.Lys680fs (NM_001407874.1, NM_001407875.1); and 41 more; short protein forms K701fs, K748fs, K452fs, K636fs, K678fs, K681fs, K580fs, K677fs.
Identifiers: ClinVar variation 254408 (VCV000254408.7), dbSNP rs886037997, ClinGen allele CA10586647.

ClinVar aggregate classification (germline): Pathogenic. Review status: reviewed by expert panel (3 of 4 stars). 3 submissions from 3 submitters: Pathogenic (1). 2 of the submissions do not count toward it. Last evaluated 2016-09-08.

Conditions:
Hereditary breast ovarian cancer syndrome. Also called: Hereditary breast and ovarian cancer syndrome (HBOC); Breast and ovarian cancer; Hereditary breast and ovarian cancer syndrome; Hereditary breast and ovarian cancer; BRCA1- and BRCA2-Associated Hereditary Breast and Ovarian Cancer; Hereditary breast and/or ovarian cancer syndrome. Identifiers: Orphanet 145, MedGen C0677776, MeSH D061325, MONDO:0003582. Disease mechanism: loss of function.
Breast-ovarian cancer, familial, susceptibility to, 1 (BROVCA1). Also called: BRCA1 Hereditary Breast and Ovarian Cancer; OVARIAN CANCER, SUSCEPTIBILITY TO. Identifiers: Orphanet 145, MedGen C2676676, MONDO:0011450, OMIM 604370. Disease mechanism: loss of function.

Submissions (3):

Evidence-based Network for the Interpretation of Germline Mutant Alleles (ENIGMA)
Classification: Pathogenic for Breast-ovarian cancer, familial, susceptibility to, 1. Last evaluated: 2016-09-08. Review status: reviewed by expert panel. Criteria: ENIGMA BRCA1/2 Classification Criteria (2015). Collection method: curation. Allele origin: germline.
Comment: Variant allele predicted to encode a truncated non-functional protein.

Labcorp Genetics (formerly Invitae), Labcorp
Classification: Pathogenic for Hereditary breast ovarian cancer syndrome. Last evaluated: 2023-11-13. Review status: criteria provided, single submitter. Criteria: Invitae Variant Classification Sherloc (09022015). Collection method: clinical testing. Allele origin: germline. Not counted in ClinVar's aggregate classification.
Comment: This sequence change creates a premature translational stop signal (p.Lys748Cysfs*2) in the BRCA1 gene. It is expected to result in an absent or disrupted protein product. Loss-of-function variants in BRCA1 are known to be pathogenic (PMID: 20104584). This variant is not present in population databases (gnomAD no frequency). This variant has not been reported in the literature in individuals affected with BRCA1-related conditions. ClinVar contains an entry for this variant (Variation ID: 254408). For these reasons, this variant has been classified as Pathogenic.

Consortium of Investigators of Modifiers of BRCA1/2 (CIMBA), c/o University of Cambridge
Classification: Pathogenic for Breast-ovarian cancer, familial, susceptibility to, 1. Last evaluated: 2015-10-02. Review status: criteria provided, single submitter. Criteria: CIMBA Mutation Classification guidelines May 2016. Collection method: clinical testing. Allele origin: germline. Not counted in ClinVar's aggregate classification.

Literature cited by the submitters: PubMed 20104584 (cited by Labcorp Genetics (formerly Invitae), Labcorp).